The following is an entry in ClinVar:

NM_001040142.2(SCN2A):c.5675C>T (p.Ser1892Phe)

Gene: SCN2A (sodium voltage-gated channel alpha subunit 2; plus strand). Cytogenetic location: 2q24.3.
Variant type: single nucleotide variant.
Coding change: c.5675C>T on transcript NM_001040142.2 (MANE Select); coding-DNA position 5675, C replaced by T.
Protein change: p.Ser1892Phe; replaces serine 1892 with phenylalanine.
Molecular consequence: missense variant.
Genome position (GRCh38, 1-based): chr2:165,389,481, C>T. VCF-style: chr2-165389481-C-T. GRCh37 (hg19) VCF-style: chr2-166245991-C-T.
Other names: c.5675C>T, p.Ser1892Phe (NM_001040143.2, NM_001371246.1, NM_001371247.1 and 1 more transcripts); short protein forms S1892F.
Identifiers: ClinVar variation 565419 (VCV000565419.10), dbSNP rs1558886841, ClinGen allele CA349039774.

ClinVar aggregate classification (germline): Uncertain significance. Review status: criteria provided, multiple submitters, no conflicts (2 of 4 stars). 2 submissions from 2 submitters: Uncertain significance (2). Last evaluated 2023-11-26.

Conditions:
Developmental and epileptic encephalopathy, 11 (DEE11). Also called: Early infantile epileptic encephalopathy 11. Identifiers: Orphanet 1934, MedGen C3150987, MONDO:0013388, OMIM 613721.
Seizures, benign familial infantile, 3 (BFIS3). Also called: CONVULSIONS, BENIGN FAMILIAL INFANTILE, 3; Familial neonatal seizures. Identifiers: Orphanet 140927, Orphanet 306, MedGen C1843140, MONDO:0011904, OMIM 607745.

Submissions (2):

3billion
Classification: Uncertain significance for Developmental and epileptic encephalopathy, 11. Last evaluated: 2023-11-26. Review status: criteria provided, single submitter. Criteria: ACMG Guidelines, 2015. Collection method: clinical testing. Allele origin: germline. Affected: yes.
Comment: The variant is not observed in the gnomAD v2.1.1 dataset. Predicted Consequence/Location: Missense variant In silico tool predictions suggest damaging effect of the variant on gene or gene product [REVEL: 0.89 (>=0.6, sensitivity 0.68 and specificity 0.92); 3Cnet: 0.71 (>=0.6, sensitivity 0.72 and precision 0.9)]. Therefore, this variant is classified as VUS according to the recommendation of ACMG/AMP guideline.

Labcorp Genetics (formerly Invitae), Labcorp
Classification: Uncertain significance for Seizures, benign familial infantile, 3; Developmental and epileptic encephalopathy, 11. Last evaluated: 2018-06-23. Review status: criteria provided, single submitter. Criteria: Invitae Variant Classification Sherloc (09022015). Collection method: clinical testing. Allele origin: germline.
Comment: In summary, the available evidence is currently insufficient to determine the role of this variant in disease. Therefore, it has been classified as a Variant of Uncertain Significance. Algorithms developed to predict the effect of missense changes on protein structure and function (SIFT, PolyPhen-2, Align-GVGD) all suggest that this variant is likely to be disruptive, but these predictions have not been confirmed by published functional studies and their clinical significance is uncertain. This variant has not been reported in the literature in individuals with SCN2A-related disease. This variant is not present in population databases (ExAC no frequency). This sequence change replaces serine with phenylalanine at codon 1892 of the SCN2A protein (p.Ser1892Phe). The serine residue is highly conserved and there is a large physicochemical difference between serine and phenylalanine.